The following is an entry in ClinVar:

NM_002516.4(NOVA2):c.1128A>C (p.Gly376=)

Gene: NOVA2 (NOVA alternative splicing regulator 2; minus strand). Cytogenetic location: 19q13.32.
Variant type: single nucleotide variant.
Coding change: c.1128A>C on transcript NM_002516.4 (MANE Select); coding-DNA position 1128, A replaced by C.
Protein change: p.Gly376=; no amino-acid change (glycine 376 retained).
Molecular consequence: synonymous variant.
Genome position (GRCh38, 1-based): chr19:45,940,214, T>G on the plus strand (A>C on the coding strand, the complement: NOVA2 is on the minus strand). VCF-style: chr19-45940214-T-G. GRCh37 (hg19) VCF-style: chr19-46443472-T-G.
Identifiers: ClinVar variation 4981442 (VCV004981442.1).

ClinVar aggregate classification (germline): Likely benign (1 of 4 stars; one submission).

Conditions:
NOVA2-related disorder. Also called: NOVA2-related condition.

Submission:

PreventionGenetics, part of Exact Sciences
Classification: Likely benign for NOVA2-related condition. Last evaluated: 2024-11-18. Review status: criteria provided, single submitter. Criteria: ACMG Guidelines, 2015. Collection method: clinical testing. Allele origin: germline.
Comment: This variant is classified as likely benign based on ACMG/AMP sequence variant interpretation guidelines (Richards et al. 2015 PMID: 25741868, with internal and published modifications).